The following is an entry in ClinVar:

ClinVar aggregate classification (germline): Uncertain significance (1 of 4 stars; one submission).

Submission:

Labcorp Genetics (formerly Invitae), Labcorp
Classification: Uncertain significance. Last evaluated: 2022-10-17. Review status: criteria provided, single submitter. Criteria: Invitae Variant Classification Sherloc (09022015). Collection method: clinical testing. Allele origin: germline.
Comment: In summary, the available evidence is currently insufficient to determine the role of this variant in disease. Therefore, it has been classified as a Variant of Uncertain Significance. Algorithms developed to predict the effect of sequence changes on RNA splicing suggest that this variant may disrupt the consensus splice site. Advanced modeling of protein sequence and biophysical properties (such as structural, functional, and spatial information, amino acid conservation, physicochemical variation, residue mobility, and thermodynamic stability) performed at Invitae indicates that this missense variant is not expected to disrupt CHM protein function. ClinVar contains an entry for this variant (Variation ID: 1052521). This variant has not been reported in the literature in individuals affected with CHM-related conditions. This variant is not present in population databases (gnomAD no frequency). This sequence change replaces proline, which is neutral and non-polar, with leucine, which is neutral and non-polar, at codon 530 of the CHM protein (p.Pro530Leu).

NM_000390.4(CHM):c.1589C>T (p.Pro530Leu)

Gene: CHM (CHM Rab escort protein; minus strand). Cytogenetic location: Xq21.2.
Variant type: single nucleotide variant.
Coding change: c.1589C>T on transcript NM_000390.4 (MANE Select); coding-DNA position 1589, C replaced by T.
Protein change: p.Pro530Leu; replaces proline 530 with leucine.
Molecular consequence: missense variant.
Genome position (GRCh38, 1-based): chrX:85,878,985, G>A on the plus strand (C>T on the coding strand, the complement: CHM is on the minus strand). VCF-style: chrX-85878985-G-A. GRCh37 (hg19) VCF-style: chrX-85133990-G-A.
Other names: c.1145C>T, p.Pro382Leu (NM_001320959.1, NM_001362517.1, NM_001362518.2 and 1 more transcripts); short protein forms P382L, P530L.
Identifiers: ClinVar variation 1052521 (VCV001052521.7), dbSNP rs1924590267, ClinGen allele CA413787522.